The following is an entry in ClinVar:

ClinVar aggregate classification (germline): Likely pathogenic. Review status: criteria provided, single submitter (1 of 4 stars). 2 submissions from 2 submitters: Likely pathogenic (1). 1 of the submissions does not count toward it. Last evaluated 2025-10-23.

Conditions:
Inborn genetic diseases. Identifiers: MedGen C0950123, MeSH D030342.
Waardenburg syndrome type 2E (WS2E). Also called: WAARDENBURG SYNDROME, TYPE 2E, WITH OR WITHOUT NEUROLOGIC INVOLVEMENT; WS2E, WITH OR WITHOUT NEUROLOGIC INVOLVEMENT; HYPOGONADOTROPIC HYPOGONADISM WITH ANOSMIA AND DEAFNESS, WITH OR WITHOUT HYPOPIGMENTATION. Identifiers: Orphanet 3440, MedGen C2700405, MONDO:0012698, OMIM 611584.

Submissions (2):

Ambry Genetics
Classification: Likely pathogenic for Inborn genetic diseases. Last evaluated: 2025-10-23. Review status: criteria provided, single submitter. Criteria: Ambry Variant Classification Scheme 2023. Collection method: clinical testing. Allele origin: germline.
Comment: The c.428+2T>C intronic variant consists of a T to C substitution two nucleotides after exon 2 (coding exon 1) of the SOX10 gene. Alterations that disrupt the canonical splice site are expected to result in aberrant splicing. The resulting transcript is predicted to delete a portion of the 5' untranslated region (UTR) and a portion of the 5' end of the SOX10 gene, although direct evidence is unavailable. As such, this alteration may escape nonsense-mediated mRNA decay and/or be prone to rescue by reinitiation (Rivas, 2015; Lindeboom, 2016; Rhee, 2017). The exact functional effect of this alteration is unknown. This variant was not reported in population-based cohorts in the Genome Aggregation Database (gnomAD). This nucleotide position is highly conserved in available vertebrate species. In silico splice site analysis predicts that this alteration will weaken the native splice donor site. Based on the available evidence, this alteration is classified as likely pathogenic.

Bioscientia Institut fuer Medizinische Diagnostik GmbH, Sonic Healthcare
Classification: Likely pathogenic for Waardenburg syndrome type 2E. Last evaluated: 2019-01-14. Review status: no assertion criteria provided. Collection method: clinical testing. Allele origin: germline. Affected: yes. Not counted in ClinVar's aggregate classification.

Literature cited by the submitters: PubMed 25954003 (cited by Ambry Genetics); PubMed 27618451 (cited by Ambry Genetics); PubMed 28490743 (cited by Ambry Genetics).

NM_006941.4(SOX10):c.428+2T>C

Genes: POLR2F (RNA polymerase II, I and III subunit F; plus strand), SOX10 (SRY-box transcription factor 10; minus strand). Cytogenetic location: 22q13.1.
Variant type: single nucleotide variant.
Coding change: c.428+2T>C on transcript NM_006941.4 (MANE Select); the canonical splice donor site of the intron after coding-DNA position 428, T replaced by C.
Molecular consequence: splice donor variant. On other transcripts: intron variant (3).
Genome position (GRCh38, 1-based): chr22:37,983,355, A>G on the plus strand (T>C on the coding strand, the complement: SOX10 is on the minus strand). VCF-style: chr22-37983355-A-G. GRCh37 (hg19) VCF-style: chr22-38379362-A-G.
Other names: c.*38+11045A>G (NM_001363825.1); c.294-2799A>G (NM_001301130.2); c.293+16185A>G (NM_001301131.2).
Identifiers: ClinVar variation 635541 (VCV000635541.3), dbSNP rs1601886662, ClinGen allele CA411499968.